The following is an entry in ClinVar:

ClinVar aggregate classification (germline): Uncertain significance (1 of 4 stars; one submission).

Submission:

Women's Health and Genetics/Laboratory Corporation of America, LabCorp
Classification: Uncertain significance. Last evaluated: 2022-08-01. Review status: criteria provided, single submitter. Criteria: LabCorp Variant Classification Summary - May 2015. Collection method: clinical testing. Allele origin: germline.
Comment: Variant summary: PEX1 c.3833dupA (p.Lys1279GlufsX12) causes a frameshift which results in an extension of the protein. The variant was absent in 247966 control chromosomes (gnomAD). The available data on variant occurrences in the general population are insufficient to allow any conclusion about variant significance. To our knowledge, no occurrence of c.3833dupA in individuals affected with Zellweger Syndrome and no experimental evidence demonstrating its impact on protein function have been reported. Other variants causing extension of the protein or frameshift at the C-terminal are cited as uncertain significance in ClinVar (e.g. p.Ser1270LysfsX12, p.Asn1268LysfsX23). Nevertheless, a variant that alters the normal termination codon leading to extension of the protein (p.X1284GlnextX28) has been reported in the literature in an individual affected with neonatal adrenoleukodystrophy (PMID: 11389485). No clinical diagnostic laboratories have submitted clinical-significance assessments for this variant to ClinVar after 2014. Based on the evidence outlined above, the variant was classified as uncertain significance.

NM_000466.3(PEX1):c.3833dup (p.Lys1279fs)

Genes: GATAD1 (GATA zinc finger domain containing 1; plus strand), PEX1 (peroxisomal biogenesis factor 1; minus strand). Cytogenetic location: 7q21.2.
Variant type: Duplication.
Coding change: c.3833dup on transcript NM_000466.3 (MANE Select); coding-DNA position 3833, one base duplicated (A; older notation c.3833dupA).
Protein change: p.Lys1279fs; shifts the reading frame from lysine 1279.
Molecular consequence: frameshift variant.
Genome position (GRCh38, 1-based): chr7:92,487,476, T duplicated on the plus strand (A on the coding strand, the reverse complement: PEX1 is on the minus strand). VCF-style (leftmost placement, unchanged base first): chr7-92487475-C-CT. GRCh37 (hg19) VCF-style: chr7-92116789-C-CT.
Other names: c.3662dup, p.Lys1222fs (NM_001282677.2); c.3209dup, p.Lys1071fs (NM_001282678.2); short protein forms K1071fs, K1222fs, K1279fs.
Identifiers: ClinVar variation 1705047 (VCV001705047.1), dbSNP rs2484601828, ClinGen allele CA2580077467.